The following is an entry in ClinVar:

ClinVar aggregate classification (germline): Conflicting classifications of pathogenicity. Review status: criteria provided, conflicting classifications (1 of 4 stars). 8 submissions from 8 submitters: Uncertain significance (1); Likely benign (6). 1 of the submissions does not count toward it. Last evaluated 2026-01-27.

Conditions:
Glanzmann thrombasthenia 1 (GT1). Also called: BLEEDING DISORDER, PLATELET-TYPE, 2; GP IIb-IIIa COMPLEX DEFICIENCY; GLYCOPROTEIN COMPLEX IIb-IIIa DEFICIENCY; PLATELET FIBRINOGEN RECEPTOR DEFICIENCY. Identifiers: MedGen CN300358, MONDO:0031332, OMIM 273800.
Platelet-type bleeding disorder 16 (BDPLT16). Also called: Bleeding disorder, platelet-type, 16, autosomal dominant. Identifiers: Orphanet 140957, MedGen C5442010, MONDO:0008552, OMIM 187800.
ITGA2B-related disorder. Also called: ITGA2B-related disorders; ITGA2B-related condition.
Glanzmann thrombasthenia. Also called: THROMBASTHENIA OF GLANZMANN AND NAEGELI; Thrombasthenia; PLATELET GLYCOPROTEIN IIb-IIIa DEFICIENCY; Glanzmann's thrombasthenia. Identifiers: Orphanet 849, MedGen C0040015, MONDO:0100326.

Allele frequency attached by ClinVar (database versions not stated): 1000 Genomes Project 0.00180; 1000 Genomes Project 30x 0.00187; gnomAD 0.00235 and 0.00239; gnomAD exomes 0.00241 and 0.00335; ESP Exome Variant Server 0.00256; TOPMed 0.00256; ExAC 0.00331.
gnomAD v4.1: 5,135 of 1,576,338 alleles (0.33%); highest among the groups gnomAD compares: Non-Finnish European, 0.39%; 9 homozygotes.

Submissions (8):

Labcorp Genetics (formerly Invitae), Labcorp
Classification: Likely benign for Glanzmann thrombasthenia. Last evaluated: 2026-01-27. Review status: criteria provided, single submitter. Criteria: Invitae Variant Classification Sherloc (09022015). Collection method: clinical testing. Allele origin: germline.

CeGaT Center for Human Genetics Tuebingen
Classification: Likely benign. Last evaluated: 2025-08-01. Review status: criteria provided, single submitter. Criteria: CeGaT Center For Human Genetics Tuebingen Variant Classification Criteria Version 2. Collection method: clinical testing. Allele origin: germline. Affected: yes. Observed: 2 variant alleles.
Comment: ITGA2B: BP4

Blueprint Genetics
Classification: Likely benign. Last evaluated: 2024-11-26. Review status: criteria provided, single submitter. Criteria: ACMG Guidelines, 2015. Collection method: clinical testing. Allele origin: germline.

Mayo Clinic Laboratories, Mayo Clinic
Classification: Likely benign. Last evaluated: 2024-02-09. Review status: criteria provided, single submitter. Criteria: ACMG Guidelines, 2015. Collection method: clinical testing. Allele origin: germline. Observed: 3 variant alleles.
Comment: BS1, BP4

Department of Pathology and Laboratory Medicine, Sinai Health System
Classification: Uncertain significance for Platelet-type bleeding disorder 16; Glanzmann thrombasthenia 1. Last evaluated: 2021-09-15. Review status: criteria provided, single submitter. Criteria: ACMG Guidelines, 2015. Collection method: research. Allele origin: germline.

Illumina Laboratory Services, Illumina
Classification: Likely benign for Glanzmann thrombasthenia 1. Last evaluated: 2017-04-27. Review status: criteria provided, single submitter. Criteria: ICSL Variant Classification Criteria 13 December 2019. Collection method: clinical testing. Allele origin: germline.
Comment: This variant was observed as part of a predisposition screen in an ostensibly healthy population. A literature search was performed for the gene, cDNA change, and amino acid change (where applicable). No publications were found based on this search. Allele frequency data from public databases allowed determination this variant is unlikely to cause disease. Therefore, this variant is classified as likely benign.

Breakthrough Genomics
Classification: Likely benign. Review status: criteria provided, single submitter. Criteria: ACMG Guidelines, 2015. Collection method: not provided. Allele origin: germline. Inheritance: Autosomal recessive inheritance. Affected: yes.

PreventionGenetics, part of Exact Sciences
Classification: Likely benign for ITGA2B-related condition. Last evaluated: 2020-10-29. Review status: no assertion criteria provided. Collection method: clinical testing. Allele origin: germline. Not counted in ClinVar's aggregate classification.
Comment: This variant is classified as likely benign based on ACMG/AMP sequence variant interpretation guidelines (Richards et al. 2015 PMID: 25741868, with internal and published modifications).

NM_000419.5(ITGA2B):c.2602G>A (p.Val868Met)

Gene: ITGA2B (integrin subunit alpha 2b; minus strand). Cytogenetic location: 17q21.31.
Variant type: single nucleotide variant.
Coding change: c.2602G>A on transcript NM_000419.5 (MANE Select); coding-DNA position 2602, G replaced by A.
Protein change: p.Val868Met; replaces valine 868 with methionine.
Molecular consequence: missense variant.
Genome position (GRCh38, 1-based): chr17:44,375,716, C>T on the plus strand (G>A on the coding strand, the complement: ITGA2B is on the minus strand). VCF-style: chr17-44375716-C-T. GRCh37 (hg19) VCF-style: chr17-42453084-C-T.
Other names: p.Val868Met; c.2602G>A (NM_000419.4); short protein forms V868M.
Identifiers: ClinVar variation 695309 (VCV000695309.40), dbSNP rs74988902, ClinGen allele CA8602633.